The following is an entry in ClinVar:

NM_000051.4(ATM):c.1428A>G (p.Gln476=)

Gene: ATM (ATM serine/threonine kinase; plus strand). Cytogenetic location: 11q22.3.
Variant type: single nucleotide variant.
Coding change: c.1428A>G on transcript NM_000051.4 (MANE Select); coding-DNA position 1428, A replaced by G.
Protein change: p.Gln476=; no amino-acid change (glutamine 476 retained).
Molecular consequence: synonymous variant.
Genome position (GRCh38, 1-based): chr11:108,250,893, A>G. VCF-style: chr11-108250893-A-G. GRCh37 (hg19) VCF-style: chr11-108121620-A-G.
Other names: c.1428A>G, p.Gln476= (NM_001351834.2).
Identifiers: ClinVar variation 184049 (VCV000184049.15), dbSNP rs745509434, ClinGen allele CA187626.
Genomic context (GRCh38, chr11:108,250,893, plus strand): 5'-ACGATGCCTTACGGAAGTTGCATTGTGTCAAGACAAGAGGTCAAACCTAGAAAGCTCACA[A>G]AAGTCAGATTTATTAAAACTCTGGAATAAAATTTGGTGTATTACCTTTCGTGGTATAAGT-3'
Protein context (NP_000042.3, residues 466-486): QDKRSNLESS[Gln476=]KSDLLKLWNK

ClinVar aggregate classification (germline): Benign/Likely benign. Review status: criteria provided, multiple submitters, no conflicts (2 of 4 stars). 3 submissions from 3 submitters: Benign (1); Likely benign (2). Last evaluated 2025-03-12.

Conditions:
Hereditary cancer-predisposing syndrome. Also called: Tumor predisposition; Hereditary Cancer Syndrome; Hereditary neoplastic syndrome; Neoplastic Syndromes, Hereditary. Identifiers: Orphanet 140162, MedGen C0027672, MeSH D009386, MONDO:0015356.
Familial cancer of breast. Also called: BREAST CANCER, FAMILIAL; hereditary breast carcinoma; Hereditary breast cancer. Identifiers: Orphanet 227535, MedGen C0346153, MONDO:0016419, OMIM 114480. Disease mechanism: loss of function.
Ataxia-telangiectasia syndrome (AT). Also called: LOUIS-BAR SYNDROME; Cerebello-oculocutaneous telangiectasia; Immunodeficiency with ataxia telangiectasia; ATAXIA-TELANGIECTASIA, COMPLEMENTATION GROUP A; ATAXIA-TELANGIECTASIA, FRESNO VARIANT; Ataxia-telangiectasia. Identifiers: Orphanet 100, MedGen C0004135, MONDO:0008840, OMIM 208900.

Allele frequency attached by ClinVar (database versions not stated): gnomAD exomes below 0.00001.
gnomAD v4.1: 4 of 1,614,164 alleles (0.00025%); highest among the groups gnomAD compares: Admixed American, 0.0017%; no homozygotes.

Submissions (3):

Labcorp Genetics (formerly Invitae), Labcorp
Classification: Likely benign for Ataxia-telangiectasia syndrome. Last evaluated: 2025-03-12. Review status: criteria provided, single submitter. Criteria: Invitae Variant Classification Sherloc (09022015). Collection method: clinical testing. Allele origin: germline.

Myriad Genetics, Inc.
Classification: Benign for Familial cancer of breast. Last evaluated: 2024-04-29. Review status: criteria provided, single submitter. Criteria: Myriad Autosomal Dominant, Autosomal Recessive and X-Linked Classification Criteria (2023). Collection method: clinical testing. Allele origin: unknown.
Comment: This variant is considered benign. This variant is a silent/synonymous amino acid change and it is not expected to impact splicing.

Ambry Genetics
Classification: Likely benign for Hereditary cancer-predisposing syndrome. Last evaluated: 2016-02-03. Review status: criteria provided, single submitter. Criteria: Ambry Variant Classification Scheme 2023. Collection method: clinical testing. Allele origin: germline.